The following is an entry in ClinVar:

NM_001376.5(DYNC1H1):c.170A>G (p.Glu57Gly)

Gene: DYNC1H1 (dynein cytoplasmic 1 heavy chain 1; plus strand). Cytogenetic location: 14q32.31.
Variant type: single nucleotide variant.
Coding change: c.170A>G on transcript NM_001376.5 (MANE Select); coding-DNA position 170, A replaced by G.
Protein change: p.Glu57Gly; replaces glutamic acid 57 with glycine.
Molecular consequence: missense variant.
Genome position (GRCh38, 1-based): chr14:101,964,861, A>G. VCF-style: chr14-101964861-A-G. GRCh37 (hg19) VCF-style: chr14-102431198-A-G.
Other names: short protein forms E57G.
Identifiers: ClinVar variation 944668 (VCV000944668.9), dbSNP rs2047646207, ClinGen allele CA391003535.
Genomic context (GRCh38, chr14:101,964,861, plus strand): 5'-TGGTGCCGCTGCTGCTGGAGGACGGCGGCGAGGCGCCGGCCGCGCTGGAGGCGGCGCTGG[A>G]GGAGAAGAGCGCCCTGGAGCAGATGCGCAAGTTCCTTTCGGACCCGCAGGTCCACACGGT-3'
Protein context (NP_001367.2, residues 47-67): EAPAALEAAL[Glu57Gly]EKSALEQMRK

ClinVar aggregate classification (germline): Uncertain significance (1 of 4 stars; one submission).

Conditions:
Charcot-Marie-Tooth disease axonal type 2O. Also called: Charcot-Marie-Tooth disease, axonal, type 20; CHARCOT-MARIE-TOOTH NEUROPATHY, AXONAL, TYPE 2O; CHARCOT-MARIE-TOOTH DISEASE, AXONAL, AUTOSOMAL DOMINANT, TYPE 2O; Charcot-Marie-Tooth Neuropathy Type 2O. Identifiers: Orphanet 284232, MedGen C3280220, MONDO:0013644, OMIM 614228.

Submission:

Labcorp Genetics (formerly Invitae), Labcorp
Classification: Uncertain significance for Charcot-Marie-Tooth disease axonal type 2O. Last evaluated: 2019-05-07. Review status: criteria provided, single submitter. Criteria: Invitae Variant Classification Sherloc (09022015). Collection method: clinical testing. Allele origin: germline.
Comment: This sequence change replaces glutamic acid with glycine at codon 57 of the DYNC1H1 protein (p.Glu57Gly). The glutamic acid residue is weakly conserved and there is a moderate physicochemical difference between glutamic acid and glycine. This variant is not present in population databases (ExAC no frequency). This variant has not been reported in the literature in individuals with DYNC1H1-related conditions. Algorithms developed to predict the effect of missense changes on protein structure and function (SIFT, PolyPhen-2, Align-GVGD) all suggest that this variant is likely to be tolerated, but these predictions have not been confirmed by published functional studies and their clinical significance is uncertain. In summary, the available evidence is currently insufficient to determine the role of this variant in disease. Therefore, it has been classified as a Variant of Uncertain Significance.